The following is an entry in ClinVar:

NM_001232.4(CASQ2):c.446T>G (p.Ile149Ser)

Gene: CASQ2 (calsequestrin 2; minus strand). Cytogenetic location: 1p13.1.
Variant type: single nucleotide variant.
Coding change: c.446T>G on transcript NM_001232.4 (MANE Select); coding-DNA position 446, T replaced by G.
Protein change: p.Ile149Ser; replaces isoleucine 149 with serine.
Molecular consequence: missense variant.
Genome position (GRCh38, 1-based): chr1:115,738,310, A>C on the plus strand (T>G on the coding strand, the complement: CASQ2 is on the minus strand). VCF-style: chr1-115738310-A-C. GRCh37 (hg19) VCF-style: chr1-116280931-A-C.
Other names: short protein forms I149S.
Identifiers: ClinVar variation 408871 (VCV000408871.11), dbSNP rs1060502165, ClinGen allele CA16609858.

ClinVar aggregate classification (germline): Uncertain significance. Review status: criteria provided, multiple submitters, no conflicts (2 of 4 stars). 2 submissions from 2 submitters: Uncertain significance (2). Last evaluated 2024-02-23.

Conditions:
Cardiovascular phenotype. Identifiers: MedGen CN230736.
Catecholaminergic polymorphic ventricular tachycardia 1. Also called: VENTRICULAR TACHYCARDIA, CATECHOLAMINERGIC POLYMORPHIC, 1, WITH OR WITHOUT ATRIAL DYSFUNCTION AND/OR DILATED CARDIOMYOPATHY; RYR2-Related Catecholaminergic Polymorphic Ventricular Tachycardia; VENTRICULAR TACHYCARDIA, STRESS-INDUCED POLYMORPHIC 1. Identifiers: Orphanet 3286, MedGen C1631597, MONDO:0011484, OMIM 604772.

Allele frequency attached by ClinVar (database versions not stated): TOPMed below 0.00001.

Submissions (2):

Labcorp Genetics (formerly Invitae), Labcorp
Classification: Uncertain significance for Catecholaminergic polymorphic ventricular tachycardia 1. Last evaluated: 2024-02-23. Review status: criteria provided, single submitter. Criteria: Invitae Variant Classification Sherloc (09022015). Collection method: clinical testing. Allele origin: germline.
Comment: This sequence change replaces isoleucine, which is neutral and non-polar, with serine, which is neutral and polar, at codon 149 of the CASQ2 protein (p.Ile149Ser). This variant is not present in population databases (gnomAD no frequency). This missense change has been observed in individual(s) with catecholaminergic polymorphic ventricular tachycardia (Invitae). In at least one individual the data is consistent with being in trans (on the opposite chromosome) from a pathogenic variant. ClinVar contains an entry for this variant (Variation ID: 408871). Advanced modeling of protein sequence and biophysical properties (such as structural, functional, and spatial information, amino acid conservation, physicochemical variation, residue mobility, and thermodynamic stability) performed at Invitae indicates that this missense variant is expected to disrupt CASQ2 protein function with a positive predictive value of 80%. In summary, the available evidence is currently insufficient to determine the role of this variant in disease. Therefore, it has been classified as a Variant of Uncertain Significance.

Ambry Genetics
Classification: Uncertain significance for Cardiovascular phenotype. Last evaluated: 2023-10-13. Review status: criteria provided, single submitter. Criteria: Ambry Variant Classification Scheme 2023. Collection method: clinical testing. Allele origin: germline.
Comment: The p.I149S variant (also known as c.446T>G), located in coding exon 4 of the CASQ2 gene, results from a T to G substitution at nucleotide position 446. The isoleucine at codon 149 is replaced by serine, an amino acid with dissimilar properties. This amino acid position is well conserved in available vertebrate species. In addition, the in silico prediction for this alteration is inconclusive. Since supporting evidence is limited at this time, the clinical significance of this alteration remains unclear.